The following is an entry in ClinVar:

ClinVar aggregate classification (germline): Uncertain significance (1 of 4 stars; one submission).

Conditions:
Hereditary cancer-predisposing syndrome. Also called: Neoplastic Syndromes, Hereditary; Tumor predisposition; Hereditary Cancer Syndrome; Hereditary neoplastic syndrome. Identifiers: Orphanet 140162, MedGen C0027672, MeSH D009386, MONDO:0015356.

Allele frequency attached by ClinVar (database versions not stated): ExAC 0.00011.

Submission:

Ambry Genetics
Classification: Uncertain significance for Hereditary cancer-predisposing syndrome. Last evaluated: 2015-08-24. Review status: criteria provided, single submitter. Criteria: Ambry Variant Classification Scheme 2023. Collection method: clinical testing. Allele origin: germline.
Comment: The p.H581N variant (also known as c.1741C>A), located in coding exon 11 of the RAD50 gene, results from a C to A substitution at nucleotide position 1741. The histidine at codon 581 is replaced by asparagine, an amino acid with similar properties. This variant was not reported in population based cohorts in the following databases: Database of Single Nucleotide Polymorphisms (dbSNP), NHLBI Exome Sequencing Project (ESP), and 1000 Genomes Project. In the ESP, this variant was not observed in 6502 samples (13004 alleles) with coverage at this position. To date, this alteration has been detected with an allele frequency of approximately 0.002% (greater than 65000 alleles tested) in our clinical cohort. This amino acid position is well conserved in available vertebrate species. In addition, this alteration is predicted to be tolerated by in silico analysis. Since supporting evidence is limited at this time, the clinical significance of p.H581N remains unclear.

NM_005732.4(RAD50):c.1741C>A (p.His581Asn)

Gene: RAD50 (RAD50 double strand break repair protein; plus strand). Cytogenetic location: 5q31.1.
Variant type: single nucleotide variant.
Coding change: c.1741C>A on transcript NM_005732.4 (MANE Select); coding-DNA position 1741, C replaced by A.
Protein change: p.His581Asn; replaces histidine 581 with asparagine.
Molecular consequence: missense variant.
Genome position (GRCh38, 1-based): chr5:132,591,982, C>A. VCF-style: chr5-132591982-C-A. GRCh37 (hg19) VCF-style: chr5-131927674-C-A.
Other names: short protein forms H581N.
Identifiers: ClinVar variation 1779202 (VCV001779202.2), dbSNP rs772329354, ClinGen allele CA3405235.
Genomic context (GRCh38, chr5:132,591,982, plus strand): 5'-GATGAATTAACCTCACTGTTGGGATATTTTCCCAACAAAAAACAGCTTGAAGACTGGCTA[C>A]ATAGTAAATCAAAAGAAATTAATCAGACCAGGGACAGACTTGCCAAATTGAAGTAAGTTG-3'
Protein context (NP_005723.2, residues 571-591): PNKKQLEDWL[His581Asn]SKSKEINQTR